The following is an entry in ClinVar:

ClinVar aggregate classification (germline): Uncertain significance (1 of 4 stars; one submission).

gnomAD v4.1: 13 of 1,530,456 alleles (0.00085%); highest among the groups gnomAD compares: Middle Eastern, 0.017%; no homozygotes.

Submission:

Mayo Clinic Laboratories, Mayo Clinic
Classification: Uncertain significance. Last evaluated: 2025-02-11. Review status: criteria provided, single submitter. Criteria: ACMG Guidelines, 2015. Collection method: clinical testing. Allele origin: germline. Observed: 1 variant allele.
Comment: BP4_moderate, PM2_supporting

NM_001142864.4(PIEZO1):c.1009C>A (p.Pro337Thr)

Genes: HSALR1 (HSP90AB1 associated lncRNA 1; plus strand), PIEZO1 (piezo type mechanosensitive ion channel component 1 (Er blood group); minus strand). Cytogenetic location: 16q24.3.
Variant type: single nucleotide variant.
Coding change: c.1009C>A on transcript NM_001142864.4 (MANE Select); coding-DNA position 1009, C replaced by A.
Protein change: p.Pro337Thr; replaces proline 337 with threonine.
Molecular consequence: missense variant. On other transcripts: non-coding transcript variant (1).
Genome position (GRCh38, 1-based): chr16:88,737,945, G>T on the plus strand (C>A on the coding strand, the complement: PIEZO1 is on the minus strand). VCF-style: chr16-88737945-G-T. GRCh37 (hg19) VCF-style: chr16-88804353-G-T.
Other names: p.Pro337Thr; short protein forms P337T.
Identifiers: ClinVar variation 4542100 (VCV004542100.1).
Genomic context (GRCh38, chr16:88,737,945, plus strand): 5'-GCCCCATGGCCTGGCCTCAGCCCACCCACCATGGGTGGCAGGTGCTCACCTGGCCGGAGG[G>T]GCGGTACGCGCGGAGCTTGCGCAGAGAGGCCGTGGCGTAGCACAGCAGCAGGAGGACGCC-3'
Protein context (NP_001136336.2, residues 327-347): ASLRKLRAYR[Pro337Thr]SGQRKEAAKG